The following is an entry in ClinVar:

ClinVar aggregate classification (germline): Uncertain significance (1 of 4 stars; one submission).

Conditions:
Charcot-Marie-Tooth disease axonal type 2S. Also called: CHARCOT-MARIE-TOOTH NEUROPATHY, TYPE 2S; CHARCOT-MARIE-TOOTH DISEASE, AXONAL, AUTOSOMAL RECESSIVE, TYPE 2S. Identifiers: Orphanet 443073, MedGen C4015349, MONDO:0014511, OMIM 616155.
Autosomal recessive distal spinal muscular atrophy 1. Also called: HMN VI; NEURONOPATHY, SEVERE INFANTILE AXONAL, WITH RESPIRATORY FAILURE; Spinal muscular atrophy with respiratory distress 1; SEVERE INFANTILE AXONAL NEUROPATHY WITH RESPIRATORY FAILURE; SPINAL MUSCULAR ATROPHY, DIAPHRAGMATIC; NEURONOPATHY, DISTAL HEREDITARY MOTOR, HARDING TYPE VI. Identifiers: Orphanet 98920, MedGen C1858517, MONDO:0011436, OMIM 604320.

Allele frequency attached by ClinVar (database versions not stated): ExAC below 0.00001; gnomAD exomes below 0.00001.
gnomAD v4.1: 1 of 1,550,030 alleles (0.000065%); highest among the groups gnomAD compares: Non-Finnish European, 0.000087%; no homozygotes.

Submission:

Labcorp Genetics (formerly Invitae), Labcorp
Classification: Uncertain significance for Autosomal recessive distal spinal muscular atrophy 1; Charcot-Marie-Tooth disease axonal type 2S. Last evaluated: 2018-04-10. Review status: criteria provided, single submitter. Criteria: Invitae Variant Classification Sherloc (09022015). Collection method: clinical testing. Allele origin: germline.
Comment: In summary, the available evidence is currently insufficient to determine the role of this variant in disease. Therefore, it has been classified as a Variant of Uncertain Significance. Algorithms developed to predict the effect of missense changes on protein structure and function do not agree on the potential impact of this missense change (SIFT: "Deleterious"; PolyPhen-2: "Possibly Damaging"; Align-GVGD: "Class C0"). This variant has not been reported in the literature in individuals with IGHMBP2-related disease. The frequency data for this variant in the population databases is considered unreliable, as metrics indicate poor data quality at this position in the ExAC database. This sequence change replaces aspartic acid with tyrosine at codon 22 of the IGHMBP2 protein (p.Asp22Tyr). The aspartic acid residue is weakly conserved and there is a large physicochemical difference between aspartic acid and tyrosine.

NM_002180.3(IGHMBP2):c.64G>T (p.Asp22Tyr)

Gene: IGHMBP2 (immunoglobulin mu DNA binding protein 2; plus strand). Cytogenetic location: 11q13.3.
Variant type: single nucleotide variant.
Coding change: c.64G>T on transcript NM_002180.3 (MANE Select); coding-DNA position 64, G replaced by T.
Protein change: p.Asp22Tyr; replaces aspartic acid 22 with tyrosine.
Molecular consequence: missense variant.
Genome position (GRCh38, 1-based): chr11:68,904,016, G>T. VCF-style: chr11-68904016-G-T. GRCh37 (hg19) VCF-style: chr11-68671484-G-T.
Other names: short protein forms D22Y.
Identifiers: ClinVar variation 572848 (VCV000572848.9), dbSNP rs771853806, ClinGen allele CA6153170.